The following is an entry in ClinVar:

ClinVar aggregate classification (germline): Conflicting classifications of pathogenicity. Review status: criteria provided, conflicting classifications (1 of 4 stars). 5 submissions from 5 submitters: Uncertain significance (1); Benign (1); Likely benign (3). Last evaluated 2026-08-01.

Conditions:
Glycogen storage disease IXb (GSD9B). Also called: PHOSPHORYLASE KINASE DEFICIENCY OF LIVER AND MUSCLE, AUTOSOMAL RECESSIVE; GLYCOGENOSIS OF LIVER AND MUSCLE, AUTOSOMAL RECESSIVE; GSD IXb. Identifiers: Orphanet 79240, MedGen C0543514, MONDO:0009868, OMIM 261750.

Allele frequency attached by ClinVar (database versions not stated): 1000 Genomes Project 30x 0.00047; 1000 Genomes Project 0.00060; ESP Exome Variant Server 0.00092; ExAC 0.00097; TOPMed 0.00100; gnomAD 0.00108 and 0.00109; gnomAD exomes 0.00119 and 0.00121.
gnomAD v4.1: 1,926 of 1,614,146 alleles (0.12%); highest among the groups gnomAD compares: Admixed American, 0.2%; 2 homozygotes.

Submissions (5):

CeGaT Center for Human Genetics Tuebingen
Classification: Likely benign. Last evaluated: 2026-08-01. Review status: criteria provided, single submitter. Criteria: CeGaT Center For Human Genetics Tuebingen Variant Classification Criteria Version 2. Collection method: clinical testing. Allele origin: germline. Affected: yes. Observed: 6 variant alleles.
Comment: PHKB: BP4, BP7

Labcorp Genetics (formerly Invitae), Labcorp
Classification: Benign for Glycogen storage disease IXb. Last evaluated: 2026-02-01. Review status: criteria provided, single submitter. Criteria: Invitae Variant Classification Sherloc (09022015). Collection method: clinical testing. Allele origin: germline.

Blueprint Genetics
Classification: Likely benign. Last evaluated: 2024-11-05. Review status: criteria provided, single submitter. Criteria: ACMG Guidelines, 2015. Collection method: clinical testing. Allele origin: germline.

GeneDx
Classification: Likely benign. Last evaluated: 2018-04-26. Review status: criteria provided, single submitter. Criteria: GeneDx Variant Classification Process June 2021. Collection method: clinical testing. Allele origin: germline. Affected: yes.

Illumina Laboratory Services, Illumina
Classification: Uncertain significance for Glycogen storage disease IXb. Last evaluated: 2018-01-12. Review status: criteria provided, single submitter. Criteria: ICSL Variant Classification Criteria 13 December 2019. Collection method: clinical testing. Allele origin: germline.

NM_000293.3(PHKB):c.270C>T (p.Cys90=)

Genes: PHKB (phosphorylase kinase regulatory subunit beta; plus strand), LOC112449713 (Sharpr-MPRA regulatory region 10524; plus strand). Cytogenetic location: 16q12.1.
Variant type: single nucleotide variant.
Coding change: c.270C>T on transcript NM_000293.3 (MANE Select); coding-DNA position 270, C replaced by T.
Protein change: p.Cys90=; no amino-acid change (cysteine 90 retained).
Molecular consequence: synonymous variant.
Genome position (GRCh38, 1-based): chr16:47,499,859, C>T. VCF-style: chr16-47499859-C-T. GRCh37 (hg19) VCF-style: chr16-47533770-C-T.
Other names: c.249C>T, p.Cys83= (NM_001031835.3); c.270C>T, p.Cys90= (NM_001363837.1).
Identifiers: ClinVar variation 319330 (VCV000319330.41), dbSNP rs139431568, ClinGen allele CA8040413.